The following is an entry in ClinVar:

NM_005751.5(AKAP9):c.9267T>A (p.Ser3089Arg)

Gene: AKAP9 (A-kinase anchoring protein 9; plus strand). Cytogenetic location: 7q21.2.
Variant type: single nucleotide variant.
Coding change: c.9267T>A on transcript NM_005751.5 (MANE Select); coding-DNA position 9267, T replaced by A.
Protein change: p.Ser3089Arg; replaces serine 3089 with arginine.
Molecular consequence: missense variant.
Genome position (GRCh38, 1-based): chr7:92,089,438, T>A. VCF-style: chr7-92089438-T-A. GRCh37 (hg19) VCF-style: chr7-91718752-T-A.
Other names: c.3912T>A, p.Ser1304Arg (NM_001379277.1); c.9243T>A, p.Ser3081Arg (NM_147185.3); short protein forms S1304R, S3081R, S3089R.
Identifiers: ClinVar variation 2118685 (VCV002118685.4), dbSNP rs2535278031, ClinGen allele CA368144589.
Genomic context (GRCh38, chr7:92,089,438, plus strand): 5'-GTTACAGGGTGTTGAATATCAAGCAGCTATGGAATGCCTCCAGAAAGCAGATAGAAGGAG[T>A]TTGTTATCTGAAATTCAGGCACTGCATGCACAAATGAATGGTAGGAAAATTACTCTGAAA-3'
Protein context (NP_005742.4, residues 3079-3099): MECLQKADRR[Ser3089Arg]LLSEIQALHA

ClinVar aggregate classification (germline): Uncertain significance (1 of 4 stars; one submission).

Conditions:
Long QT syndrome (LQTS). Identifiers: MedGen C0023976, MeSH D008133, MONDO:0002442. Disease mechanism: loss of function. Inheritance: Various modes of inheritance.

Submission:

Labcorp Genetics (formerly Invitae), Labcorp
Classification: Uncertain significance for Long QT syndrome. Last evaluated: 2022-03-28. Review status: criteria provided, single submitter. Criteria: Invitae Variant Classification Sherloc (09022015). Collection method: clinical testing. Allele origin: germline.
Comment: In summary, the available evidence is currently insufficient to determine the role of this variant in disease. Therefore, it has been classified as a Variant of Uncertain Significance. Algorithms developed to predict the effect of missense changes on protein structure and function are either unavailable or do not agree on the potential impact of this missense change (SIFT: "Deleterious"; PolyPhen-2: "Probably Damaging"; Align-GVGD: "Class C0"). This variant has not been reported in the literature in individuals affected with AKAP9-related conditions. This variant is not present in population databases (gnomAD no frequency). This sequence change replaces serine, which is neutral and polar, with arginine, which is basic and polar, at codon 3089 of the AKAP9 protein (p.Ser3089Arg).